The following is an entry in ClinVar:

ClinVar aggregate classification (germline): Uncertain significance (1 of 4 stars; one submission).

gnomAD v4.1: 1 of 1,549,748 alleles (0.000065%); highest among the groups gnomAD compares: Non-Finnish European, 0.000089%; no homozygotes.

Submission:

Dasa
Classification: Uncertain significance. Last evaluated: 2025-01-14. Review status: criteria provided, single submitter. Criteria: DASA Assertion Criteria. Collection method: clinical testing. Allele origin: germline.
Comment: NM_002156.5(HSPD1):c.661C>T (p.Arg221*) is a nonsense variant in HSPD1 predicted to introduce a premature termination codon. This variant is rare in population databases. The currently available literature and clinical evidence are not sufficient to establish a definitive association between this variant and the reported condition. Therefore, this variant is classified as a variant of uncertain significance.

NM_002156.5(HSPD1):c.661C>T (p.Arg221Ter)

Gene: HSPD1 (heat shock protein family D (Hsp60) member 1; minus strand). Cytogenetic location: 2q33.1.
Variant type: single nucleotide variant.
Coding change: c.661C>T on transcript NM_002156.5 (MANE Select); coding-DNA position 661, C replaced by T.
Protein change: p.Arg221Ter; replaces arginine 221 with a stop codon.
Molecular consequence: nonsense.
Genome position (GRCh38, 1-based): chr2:197,494,196, G>A on the plus strand (C>T on the coding strand, the complement: HSPD1 is on the minus strand). VCF-style: chr2-197494196-G-A. GRCh37 (hg19) VCF-style: chr2-198358920-G-A.
Other names: c.661C>T, p.Arg221Ter (NM_199440.2); short protein forms R221*.
Identifiers: ClinVar variation 4885320 (VCV004885320.2).
Genomic context (GRCh38, chr2:197,494,196, plus strand): 5'-CAGTTATTGATTTGTTCTTACCTTTTGATGTATTAATAAAGTATGGAGAAATATAGCCTC[G>A]ATCAAACTTCATGCCTTCAATAATTTCTAATTCATCATTCAGTGTTTTTCCATCCTATGA-3'